The following is an entry in ClinVar:

ClinVar aggregate classification (germline): Uncertain significance (1 of 4 stars; one submission).

Conditions:
Multiple congenital exostosis (EXT). Also called: Hereditary multiple osteochondromas; MULTIPLE CARTILAGINOUS EXOSTOSES; Hereditary multiple exostoses; Hereditary multiple exostosis; Multiple exostoses; Multiple osteochondromas. Identifiers: Orphanet 321, MedGen C0015306, MONDO:0005508, HP:0002762.

Allele frequency attached by ClinVar (database versions not stated): gnomAD exomes below 0.00001.
gnomAD v4.1: 7 of 1,614,176 alleles (0.00043%); highest among the groups gnomAD compares: Non-Finnish European, 0.00051%; no homozygotes.

Submission:

Labcorp Genetics (formerly Invitae), Labcorp
Classification: Uncertain significance for Multiple congenital exostosis. Last evaluated: 2022-06-22. Review status: criteria provided, single submitter. Criteria: Invitae Variant Classification Sherloc (09022015). Collection method: clinical testing. Allele origin: germline.
Comment: In summary, the available evidence is currently insufficient to determine the role of this variant in disease. Therefore, it has been classified as a Variant of Uncertain Significance. Algorithms developed to predict the effect of missense changes on protein structure and function are either unavailable or do not agree on the potential impact of this missense change (SIFT: "Deleterious"; PolyPhen-2: "Probably Damaging"; Align-GVGD: "Class C0"). This variant has not been reported in the literature in individuals affected with EXT1-related conditions. This variant is not present in population databases (gnomAD no frequency). This sequence change replaces leucine, which is neutral and non-polar, with phenylalanine, which is neutral and non-polar, at codon 724 of the EXT1 protein (p.Leu724Phe).

NM_000127.3(EXT1):c.2170C>T (p.Leu724Phe)

Gene: EXT1 (exostosin glycosyltransferase 1; minus strand). Cytogenetic location: 8q24.11.
Variant type: single nucleotide variant.
Coding change: c.2170C>T on transcript NM_000127.3 (MANE Select); coding-DNA position 2170, C replaced by T.
Protein change: p.Leu724Phe; replaces leucine 724 with phenylalanine.
Molecular consequence: missense variant.
Genome position (GRCh38, 1-based): chr8:117,799,783, G>A on the plus strand (C>T on the coding strand, the complement: EXT1 is on the minus strand). VCF-style: chr8-117799783-G-A. GRCh37 (hg19) VCF-style: chr8-118812022-G-A.
Other names: short protein forms L724F.
Identifiers: ClinVar variation 2143263 (VCV002143263.4), dbSNP rs2488079165, ClinGen allele CA371889829.